The following is an entry in ClinVar:

ClinVar aggregate classification (germline): Benign. Review status: reviewed by expert panel (3 of 4 stars). 3 submissions from 3 submitters: Benign (1). 2 of the submissions do not count toward it. Last evaluated 2013-09-05.

Conditions:
Lynch syndrome. Identifiers: Orphanet 144, MedGen C4552100, MONDO:0005835. Disease mechanism: loss of function.

Allele frequency attached by ClinVar (database versions not stated): gnomAD exomes 0.15445; 1000 Genomes Project 30x 0.03123; 1000 Genomes Project 0.03215; TOPMed 0.06265; gnomAD 0.08152 and 0.08328.
gnomAD v4.1: 43,112 of 342,972 alleles (13%); highest among the groups gnomAD compares: Non-Finnish European, 16%; 2,563 homozygotes.

Submissions (3):

International Society for Gastrointestinal Hereditary Tumours (InSiGHT)
Classification: Benign for Lynch Syndrome. Last evaluated: 2013-09-05. Review status: reviewed by expert panel. Criteria: Guidelines v1.9. Collection method: research. Allele origin: germline.
Comment: MAF >1%

Classified with v1.9 guidelines
ClinVar note: Converted during submission from no known pathogenicity to Benign.

GeneDx
Classification: Benign. Last evaluated: 2018-06-23. Review status: criteria provided, single submitter. Criteria: GeneDx Variant Classification Process June 2021. Collection method: clinical testing. Allele origin: germline. Affected: yes. Not counted in ClinVar's aggregate classification.

Mayo Clinic Laboratories, Mayo Clinic
Classification: Benign. Review status: no assertion criteria provided. Collection method: research. Allele origin: unknown. Observed: 5 variant alleles, 1 homozygote. Not counted in ClinVar's aggregate classification.

NM_000179.3(MSH6):c.3172+171C>T

Gene: MSH6 (mutS homolog 6; plus strand). Cytogenetic location: 2p16.3.
Variant type: single nucleotide variant.
Coding change: c.3172+171C>T on transcript NM_000179.3 (MANE Select); 171 bases into the intron after coding-DNA position 3172, C replaced by T.
Molecular consequence: intron variant.
Genome position (GRCh38, 1-based): chr2:47,801,326, C>T. VCF-style: chr2-47801326-C-T. GRCh37 (hg19) VCF-style: chr2-48028465-C-T.
Other names: c.2266+171C>T (NM_001281493.2, NM_001281494.2); c.2782+171C>T (NM_001281492.2).
Identifiers: ClinVar variation 89343 (VCV000089343.9), dbSNP rs3136337, ClinGen allele CA011715.